The following is an entry in ClinVar:

ClinVar aggregate classification (germline): Uncertain significance (1 of 4 stars; one submission).

Submission:

Dasa
Classification: Uncertain significance. Last evaluated: 2025-07-12. Review status: criteria provided, single submitter. Criteria: DASA Assertion Criteria. Collection method: clinical testing. Allele origin: germline.
Comment: NM_032188.3(KAT8):c.355G>C (p.Val119Leu) is a missense variant that results in the substitution of valine with leucine. This variant is absent from population databases. Computational prediction algorithms are consistent with a benign effect. The currently available literature and clinical evidence are not sufficient to establish a definitive association between this variant and the reported condition. Therefore, this variant is classified as a variant of uncertain significance.

NM_032188.3(KAT8):c.355G>C (p.Val119Leu)

Gene: KAT8 (lysine acetyltransferase 8; plus strand). Cytogenetic location: 16p11.2.
Variant type: single nucleotide variant.
Coding change: c.355G>C on transcript NM_032188.3 (MANE Select); coding-DNA position 355, G replaced by C.
Protein change: p.Val119Leu; replaces valine 119 with leucine.
Molecular consequence: missense variant.
Genome position (GRCh38, 1-based): chr16:31,120,407, G>C. VCF-style: chr16-31120407-G-C. GRCh37 (hg19) VCF-style: chr16-31131728-G-C.
Other names: c.355G>C, p.Val119Leu (NM_182958.4); short protein forms V119L.
Identifiers: ClinVar variation 4885920 (VCV004885920.2).
Genomic context (GRCh38, chr16:31,120,407, plus strand): 5'-CGGCTGGACGAGTGGGTAGACAAGAACCGGCTGGCGCTGACCAAGACAGTGAAGGATGCT[G>C]TACAGAAGAACTCAGAGAAGTACCTGAGCGAGCTCGCAGAGCAGCCTGAGCGCAAGATCA-3'
Protein context (NP_115564.2, residues 109-129): LALTKTVKDA[Val119Leu]QKNSEKYLSE